The following is an entry in ClinVar:

NM_000179.3(MSH6):c.4002-9_4002-8del

Gene: MSH6 (mutS homolog 6; plus strand). Cytogenetic location: 2p16.3.
Variant type: Deletion.
Coding change: c.4002-9_4002-8del on transcript NM_000179.3 (MANE Select); 9 bases into the intron before coding-DNA position 4002 through 8 bases into the intron before coding-DNA position 4002, 2 bases deleted (AA; older notation c.4002-9_4002-8delAA).
Molecular consequence: intron variant.
Genome position (GRCh38, 1-based): chr2:47,806,770-47,806,771, AA deleted. VCF-style (leftmost placement, unchanged base first): chr2-47806769-TAA-T. GRCh37 (hg19) VCF-style: chr2-48033908-TAA-T.
Other names: c.3096-9_3096-8del (NM_001281493.2, NM_001281494.2); c.3612-9_3612-8del (NM_001281492.2).
Identifiers: ClinVar variation 1557923 (VCV001557923.10), dbSNP rs1491588423, ClinGen allele CA1649509.

ClinVar aggregate classification (germline): Likely benign. Review status: criteria provided, multiple submitters, no conflicts (2 of 4 stars). 3 submissions from 3 submitters: Likely benign (3). Last evaluated 2025-01-09.

Conditions:
Hereditary nonpolyposis colorectal neoplasms. Identifiers: MedGen C0009405, MeSH D003123.
Endometrial carcinoma. Also called: Endometrial carcinoma, somatic. Identifiers: MedGen C0476089, MONDO:0002447, OMIM 608089, HP:0012114.
Lynch syndrome 5 (LYNCH5). Also called: Hereditary non-polyposis colorectal cancer, type 5; Colorectal cancer, hereditary nonpolyposis, type 5. Identifiers: Orphanet 144, MedGen C1833477, MONDO:0013710, OMIM 614350. Disease mechanism: loss of function.

Allele frequency attached by ClinVar (database versions not stated): ExAC 0.00009.

Submissions (3):

Myriad Genetics, Inc.
Classification: Likely benign for Lynch syndrome 5. Last evaluated: 2025-01-09. Review status: criteria provided, single submitter. Criteria: Myriad Autosomal Dominant, Autosomal Recessive and X-Linked Classification Criteria (2023). Collection method: clinical testing. Allele origin: unknown.
Comment: This variant is considered likely benign. This variant is intronic and is not expected to impact mRNA splicing.

Labcorp Genetics (formerly Invitae), Labcorp
Classification: Likely benign for Hereditary nonpolyposis colorectal neoplasms. Last evaluated: 2022-02-10. Review status: criteria provided, single submitter. Criteria: Invitae Variant Classification Sherloc (09022015). Collection method: clinical testing. Allele origin: germline.

Department of Pathology and Laboratory Medicine, Sinai Health System
Classification: Likely benign for Endometrial carcinoma; Lynch syndrome 5. Last evaluated: 2019-12-31. Review status: criteria provided, single submitter. Criteria: ACMG Guidelines, 2015. Collection method: clinical testing. Allele origin: germline. Affected: yes.